The following is an entry in ClinVar:

NM_177438.3(DICER1):c.1595A>G (p.Asn532Ser)

Gene: DICER1 (dicer 1, ribonuclease III; minus strand). Cytogenetic location: 14q32.13.
Variant type: single nucleotide variant.
Coding change: c.1595A>G on transcript NM_177438.3 (MANE Select); coding-DNA position 1595, A replaced by G.
Protein change: p.Asn532Ser; replaces asparagine 532 with serine.
Molecular consequence: missense variant.
Genome position (GRCh38, 1-based): chr14:95,116,610, T>C on the plus strand (A>G on the coding strand, the complement: DICER1 is on the minus strand). VCF-style: chr14-95116610-T-C. GRCh37 (hg19) VCF-style: chr14-95582947-T-C.
Other names: c.1595A>G, p.Asn532Ser (NM_001195573.1, NM_001271282.3, NM_001291628.2 and 1 more transcripts); c.1595A>G (NM_177438.2); short protein forms N532S.
Identifiers: ClinVar variation 1512444 (VCV001512444.10), dbSNP rs2140125149, ClinGen allele CA390884996.

ClinVar aggregate classification (germline): Uncertain significance. Review status: criteria provided, multiple submitters, no conflicts (2 of 4 stars). 2 submissions from 2 submitters: Uncertain significance (2). Last evaluated 2026-06-17.

Conditions:
Hereditary cancer-predisposing syndrome. Also called: Hereditary Cancer Syndrome; Tumor predisposition; Neoplastic Syndromes, Hereditary; Hereditary neoplastic syndrome. Identifiers: Orphanet 140162, MedGen C0027672, MeSH D009386, MONDO:0015356.
DICER1-related tumor predisposition. Also called: DICER1-related pleuropulmonary blastoma cancer predisposition syndrome; DICER1 syndrome. Identifiers: Orphanet 284343, MedGen C3839822, MONDO:0100216.

Allele frequency attached by ClinVar (database versions not stated): gnomAD exomes below 0.00001.
gnomAD v4.1: 1 of 1,613,928 alleles (0.000062%); highest among the groups gnomAD compares: Non-Finnish European, 0.000085%; no homozygotes.

Submissions (2):

Ambry Genetics
Classification: Uncertain significance for Hereditary cancer-predisposing syndrome. Last evaluated: 2026-06-17. Review status: criteria provided, single submitter. Criteria: Ambry Variant Classification Scheme 2023. Collection method: clinical testing. Allele origin: germline.

Labcorp Genetics (formerly Invitae), Labcorp
Classification: Uncertain significance for DICER1-related tumor predisposition. Last evaluated: 2024-02-17. Review status: criteria provided, single submitter. Criteria: Invitae Variant Classification Sherloc (09022015). Collection method: clinical testing. Allele origin: germline.
Comment: This sequence change replaces asparagine, which is neutral and polar, with serine, which is neutral and polar, at codon 532 of the DICER1 protein (p.Asn532Ser). This variant is not present in population databases (gnomAD no frequency). This variant has not been reported in the literature in individuals affected with DICER1-related conditions. ClinVar contains an entry for this variant (Variation ID: 1512444). Advanced modeling of protein sequence and biophysical properties (such as structural, functional, and spatial information, amino acid conservation, physicochemical variation, residue mobility, and thermodynamic stability) performed at Invitae indicates that this missense variant is expected to disrupt DICER1 protein function with a positive predictive value of 80%. In summary, the available evidence is currently insufficient to determine the role of this variant in disease. Therefore, it has been classified as a Variant of Uncertain Significance.